The following is an entry in ClinVar:

NM_006618.5(KDM5B):c.1862T>C (p.Leu621Pro)

Gene: KDM5B (lysine demethylase 5B; minus strand). Cytogenetic location: 1q32.1.
Variant type: single nucleotide variant.
Coding change: c.1862T>C on transcript NM_006618.5 (MANE Select); coding-DNA position 1862, T replaced by C.
Protein change: p.Leu621Pro; replaces leucine 621 with proline.
Molecular consequence: missense variant.
Genome position (GRCh38, 1-based): chr1:202,749,099, A>G on the plus strand (T>C on the coding strand, the complement: KDM5B is on the minus strand). VCF-style: chr1-202749099-A-G. GRCh37 (hg19) VCF-style: chr1-202718227-A-G.
Other names: c.1970T>C, p.Leu657Pro (NM_001314042.2); c.1727T>C, p.Leu576Pro (NM_001347591.2); c.1847T>C, p.Leu616Pro (NM_001399817.1); short protein forms L576P, L616P, L621P, L657P.
Identifiers: ClinVar variation 3897325 (VCV003897325.1).

ClinVar aggregate classification (germline): Uncertain significance (1 of 4 stars; one submission).

Submission:

GeneDx
Classification: Uncertain significance. Last evaluated: 2024-10-29. Review status: criteria provided, single submitter. Criteria: GeneDx Variant Classification Process June 2021. Collection method: clinical testing. Allele origin: germline. Affected: yes.
Comment: Not observed at significant frequency in large population cohorts (gnomAD); In silico analysis supports that this missense variant has a deleterious effect on protein structure/function; Has not been previously published as pathogenic or benign to our knowledge